The following is an entry in ClinVar:

NM_000038.6(APC):c.8146G>C (p.Val2716Leu)

Gene: APC (APC regulator of Wnt signaling pathway; plus strand). Cytogenetic location: 5q22.2.
Variant type: single nucleotide variant.
Coding change: c.8146G>C on transcript NM_000038.6 (MANE Select); coding-DNA position 8146, G replaced by C.
Protein change: p.Val2716Leu; replaces valine 2716 with leucine.
Molecular consequence: missense variant.
Genome position (GRCh38, 1-based): chr5:112,843,740, G>C. VCF-style: chr5-112843740-G-C. GRCh37 (hg19) VCF-style: chr5-112179437-G-C.
Other names: c.8146G>C, p.Val2716Leu (NM_001127510.3, NM_001354895.2); c.8092G>C, p.Val2698Leu (NM_001127511.3); c.8200G>C, p.Val2734Leu (NM_001354896.2); c.8176G>C, p.Val2726Leu (NM_001354897.2); c.8071G>C, p.Val2691Leu (NM_001354898.2); c.8062G>C, p.Val2688Leu (NM_001354899.2); c.8023G>C, p.Val2675Leu (NM_001354900.2); c.7969G>C, p.Val2657Leu (NM_001354901.2); and 5 more; short protein forms V2698L, V2716L, V2556L, V2590L, V2691L, V2726L, V2433L, V2675L.
Identifiers: ClinVar variation 133535 (VCV000133535.27), dbSNP rs587778044, ClinGen allele CA014405.
Genomic context (GRCh38, chr5:112,843,740, plus strand): 5'-GATTCAAAAGATAATCAGGCAAAACAAAATGTGGGTAATGGCAGTGTTCCCATGCGTACC[G>C]TGGGTTTGGAAAATCGCCTGAACTCCTTTATTCAGGTGGATGCCCCTGACCAAAAAGGAA-3'
Protein context (NP_000029.2, residues 2706-2726): VGNGSVPMRT[Val2716Leu]GLENRLNSFI

ClinVar aggregate classification (germline): Conflicting classifications of pathogenicity. Review status: criteria provided, conflicting classifications (1 of 4 stars). 7 submissions from 7 submitters: Uncertain significance (5); Likely benign (1). 1 of the submissions does not count toward it. Last evaluated 2026-01-19.

Conditions:
Familial adenomatous polyposis 1 (FAP1). Also called: FAMILIAL ADENOMATOUS POLYPOSIS 1, ATTENUATED; POLYPOSIS, ADENOMATOUS INTESTINAL. Identifiers: MedGen C2713442, MONDO:0021056, OMIM 175100. Disease mechanism: loss of function.
Classic or attenuated familial adenomatous polyposis. Identifiers: MedGen CN372698, MONDO:0021057.
Hereditary cancer-predisposing syndrome. Also called: Tumor predisposition; Hereditary neoplastic syndrome; Neoplastic Syndromes, Hereditary; Hereditary Cancer Syndrome. Identifiers: Orphanet 140162, MedGen C0027672, MeSH D009386, MONDO:0015356.

gnomAD v4.1: 1 of 1,614,028 alleles (0.000062%); no homozygotes.

Submissions (7):

Labcorp Genetics (formerly Invitae), Labcorp
Classification: Uncertain significance for Familial adenomatous polyposis 1. Last evaluated: 2026-01-19. Review status: criteria provided, single submitter. Criteria: Invitae Variant Classification Sherloc (09022015). Collection method: clinical testing. Allele origin: germline.
Comment: This sequence change replaces valine, which is neutral and non-polar, with leucine, which is neutral and non-polar, at codon 2716 of the APC protein (p.Val2716Leu). This variant is not present in population databases (gnomAD no frequency). This variant has not been reported in the literature in individuals affected with APC-related conditions. ClinVar contains an entry for this variant (Variation ID: 133535). Invitae Evidence Modeling of protein sequence and biophysical properties (such as structural, functional, and spatial information, amino acid conservation, physicochemical variation, residue mobility, and thermodynamic stability) indicates that this missense variant is not expected to disrupt APC protein function with a negative predictive value of 95%. In summary, the available evidence is currently insufficient to determine the role of this variant in disease. Therefore, it has been classified as a Variant of Uncertain Significance.

Color Diagnostics, LLC DBA Color Health
Classification: Uncertain significance for Hereditary cancer-predisposing syndrome. Last evaluated: 2025-06-12. Review status: criteria provided, single submitter. Criteria: ACMG Guidelines, 2015. Collection method: clinical testing. Allele origin: germline.
Comment: This missense variant replaces valine with leucine at codon 2716 of the APC protein. Computational prediction suggests that this variant may not impact protein structure and function. To our knowledge, functional studies have not been reported for this variant. This variant has not been reported in individuals affected with APC-related disorders in the literature. This variant has not been identified in the general population by the Genome Aggregation Database (gnomAD). The available evidence is insufficient to determine the role of this variant in disease conclusively. Therefore, this variant is classified as a Variant of Uncertain Significance.

Ambry Genetics
Classification: Likely benign for Hereditary cancer-predisposing syndrome. Last evaluated: 2025-05-31. Review status: criteria provided, single submitter. Criteria: Ambry Variant Classification Scheme 2023. Collection method: clinical testing. Allele origin: germline.

All of Us Research Program, National Institutes of Health
Classification: Uncertain significance for Classic or attenuated familial adenomatous polyposis. Last evaluated: 2024-03-05. Review status: criteria provided, single submitter. Criteria: ACMG Guidelines, 2015. Collection method: clinical testing. Allele origin: germline. Inheritance: Autosomal dominant inheritance. Observed: 3 variant alleles, 3 heterozygotes.
Comment: This missense variant replaces valine with leucine at codon 2716 of the APC protein. Computational prediction suggests that this variant may not impact protein structure and function (internally defined REVEL score threshold <= 0.5, PMID: 27666373). Splice site prediction tools suggest that this variant may not impact RNA splicing. To our knowledge, functional studies have not been performed for this variant. This variant has not been reported in individuals affected with hereditary cancer in the literature. This variant has not been identified in the general population by the Genome Aggregation Database (gnomAD). The available evidence is insufficient to determine the role of this variant in disease conclusively. Therefore, this variant is classified as a Variant of Uncertain Significance.

This study involves interpretation of variants in research participants for the purpose of population health screening. Participant phenotype was not available at the time of variant classification. Additional details can be found in publication PMID: 35346344, PMCID: PMC8962531

GeneDx
Classification: Uncertain significance. Last evaluated: 2023-10-10. Review status: criteria provided, single submitter. Criteria: GeneDx Variant Classification Process June 2021. Collection method: clinical testing. Allele origin: germline. Affected: yes.
Comment: Not observed at significant frequency in large population cohorts (gnomAD); In silico analysis supports that this missense variant does not alter protein structure/function; Identified in healthy individuals undergoing whole genome sequencing (Bodian et al., 2014); This variant is associated with the following publications: (PMID: 18199528, 24728327)

Sema4
Classification: Uncertain significance for Hereditary cancer-predisposing syndrome. Last evaluated: 2022-01-24. Review status: criteria provided, single submitter. Criteria: Sema4 Curation Guidelines. Collection method: curation. Allele origin: germline.
Comment: To the best of our knowledge, the APC c.8146G>C (p.V2716L) variant has not been reported in individuals with APC-related disease, but has been reported in a healthy, ancestrally-diverse cohort (PMID: 24728327). It was not observed in the large and broad cohorts of the Genome Aggregation Database (PMID: 32461654). The variant has been reported in ClinVar (Variation ID 133535). Functional studies have not been performed, and in silico predictions of the variant's effect on protein function are inconclusive. The evidence is insufficient to meet ACMG/AMP criteria for classifying the variant as benign or pathogenic. Thus, the clinical significance of this variant is currently uncertain.

ITMI
No classification provided. Condition: AllHighlyPenetrant. Last evaluated: 2013-09-19. Review status: no classification provided. Collection method: reference population. Allele origin: germline. Not counted in ClinVar's aggregate classification.
Comment: Please see associated publication for description of ethnicities

Literature cited by the submitters: PubMed 24728327 (cited by 3 submitters).